The following is an entry in ClinVar:

NM_005989.4(AKR1D1):c.157G>A (p.Asp53Asn)

Gene: AKR1D1 (aldo-keto reductase family 1 member D1; plus strand). Cytogenetic location: 7q33.
Variant type: single nucleotide variant.
Coding change: c.157G>A on transcript NM_005989.4 (MANE Select); coding-DNA position 157, G replaced by A.
Protein change: p.Asp53Asn; replaces aspartic acid 53 with asparagine.
Molecular consequence: missense variant.
Genome position (GRCh38, 1-based): chr7:138,088,664, G>A. VCF-style: chr7-138088664-G-A. GRCh37 (hg19) VCF-style: chr7-137773410-G-A.
Other names: c.157G>A, p.Asp53Asn (NM_001190906.2, NM_001190907.2); short protein forms D53N.
Identifiers: ClinVar variation 1946862 (VCV001946862.7), dbSNP rs766798731, ClinGen allele CA4502590.

ClinVar aggregate classification (germline): Uncertain significance. Review status: criteria provided, multiple submitters, no conflicts (2 of 4 stars). 2 submissions from 2 submitters: Uncertain significance (2). Last evaluated 2023-06-21.

Conditions:
Congenital bile acid synthesis defect 2 (CBAS2). Also called: CHOLESTASIS WITH DELTA(4)-3-OXOSTEROID 5-BETA-REDUCTASE DEFICIENCY. Identifiers: Orphanet 79303, MedGen C1856127, MONDO:0009339, OMIM 235555.

Allele frequency attached by ClinVar (database versions not stated): gnomAD exomes below 0.00001; ExAC 0.00001; TOPMed 0.00001.
gnomAD v4.1: 7 of 1,614,086 alleles (0.00043%); highest among the groups gnomAD compares: South Asian, 0.0077%; no homozygotes.

Submissions (2):

Institute of Medical Genetics and Genomics, Sir Ganga Ram Hospital
Classification: Uncertain significance for Congenital bile acid synthesis defect 2. Last evaluated: 2023-06-21. Review status: criteria provided, single submitter. Criteria: ACMG Guidelines, 2015. Collection method: clinical testing. Allele origin: inherited. Inheritance: Autosomal recessive inheritance. Affected: yes. Observed: 1 homozygote.
Comment: This variant is found in gnomAD-0.0012% and ExAc-0.0008%.

Labcorp Genetics (formerly Invitae), Labcorp
Classification: Uncertain significance. Last evaluated: 2022-10-25. Review status: criteria provided, single submitter. Criteria: Invitae Variant Classification Sherloc (09022015). Collection method: clinical testing. Allele origin: germline.
Comment: In summary, the available evidence is currently insufficient to determine the role of this variant in disease. Therefore, it has been classified as a Variant of Uncertain Significance. This sequence change replaces aspartic acid, which is acidic and polar, with asparagine, which is neutral and polar, at codon 53 of the AKR1D1 protein (p.Asp53Asn). This variant is present in population databases (rs766798731, gnomAD 0.01%). This variant has not been reported in the literature in individuals affected with AKR1D1-related conditions. Algorithms developed to predict the effect of missense changes on protein structure and function are either unavailable or do not agree on the potential impact of this missense change (SIFT: "Deleterious"; PolyPhen-2: "Probably Damaging"; Align-GVGD: "Class C0").